The following is an entry in ClinVar:

NM_001042492.3(NF1):c.1396C>T (p.Leu466Phe)

Gene: NF1 (neurofibromin 1; plus strand). Cytogenetic location: 17q11.2.
Variant type: single nucleotide variant.
Coding change: c.1396C>T on transcript NM_001042492.3 (MANE Select); coding-DNA position 1396, C replaced by T.
Protein change: p.Leu466Phe; replaces leucine 466 with phenylalanine.
Molecular consequence: missense variant.
Genome position (GRCh38, 1-based): chr17:31,214,454, C>T. VCF-style: chr17-31214454-C-T. GRCh37 (hg19) VCF-style: chr17-29541472-C-T.
Other names: c.1396C>T, p.Leu466Phe (NM_000267.4, NM_001128147.3); short protein forms L466F.
Identifiers: ClinVar variation 3239932 (VCV003239932.3), dbSNP rs2143958637.
Genomic context (GRCh38, chr17:31,214,454, plus strand): 5'-TGGATAGCTATTATCCTGAGTCTTATGTCTGATACCATGTTTTTGTTTTGTTTTTAGAGT[C>T]TTACATTTAAAGAAAAAGTAACAAGCCTTAAATTTAAAGAAAAACCTACAGACCTGGAGA-3'
Protein context (NP_001035957.1, residues 456-476): AHPAIRMAPS[Leu466Phe]TFKEKVTSLK

ClinVar aggregate classification (germline): Uncertain significance. Review status: criteria provided, multiple submitters, no conflicts (2 of 4 stars). 2 submissions from 2 submitters: Uncertain significance (2). Last evaluated 2024-12-30.

Conditions:
Juvenile myelomonocytic leukemia (JMML). Also called: LEUKEMIA, JUVENILE MYELOMONOCYTIC, SOMATIC. Identifiers: Orphanet 86834, MedGen C0349639, MONDO:0011908, OMIM 607785, HP:0012209.
Neurofibromatosis, type 1 (NF1). Also called: VON RECKLINGHAUSEN DISEASE; Neurofibromatosis, type I; NEUROFIBROMATOSIS, TYPE I, SOMATIC; Peripheral type neurofibromatosis. Identifiers: Orphanet 636, MedGen C0027831, MONDO:0018975, OMIM 162200. Disease mechanism: loss of function.

Submissions (2):

Labcorp Genetics (formerly Invitae), Labcorp
Classification: Uncertain significance for Neurofibromatosis, type 1. Last evaluated: 2024-12-30. Review status: criteria provided, single submitter. Criteria: Invitae Variant Classification Sherloc (09022015). Collection method: clinical testing. Allele origin: germline.
Comment: This sequence change replaces leucine, which is neutral and non-polar, with phenylalanine, which is neutral and non-polar, at codon 466 of the NF1 protein (p.Leu466Phe). This variant is not present in population databases (gnomAD no frequency). This variant has not been reported in the literature in individuals affected with NF1-related conditions. ClinVar contains an entry for this variant (Variation ID: 3239932). Invitae Evidence Modeling of protein sequence and biophysical properties (such as structural, functional, and spatial information, amino acid conservation, physicochemical variation, residue mobility, and thermodynamic stability) indicates that this missense variant is not expected to disrupt NF1 protein function with a negative predictive value of 95%. In summary, the available evidence is currently insufficient to determine the role of this variant in disease. Therefore, it has been classified as a Variant of Uncertain Significance.

Baylor Genetics
Classification: Uncertain significance for Juvenile myelomonocytic leukemia. Last evaluated: 2023-12-26. Review status: criteria provided, single submitter. Criteria: ACMG Guidelines, 2015. Collection method: clinical testing. Allele origin: unknown.